The following is an entry in ClinVar:

NM_001039591.3(USP9X):c.4670T>C (p.Val1557Ala)

Gene: USP9X (ubiquitin specific peptidase 9 X-linked; plus strand). Cytogenetic location: Xp11.4.
Variant type: single nucleotide variant.
Coding change: c.4670T>C on transcript NM_001039591.3 (MANE Select); coding-DNA position 4670, T replaced by C.
Protein change: p.Val1557Ala; replaces valine 1557 with alanine.
Molecular consequence: missense variant.
Genome position (GRCh38, 1-based): chrX:41,201,126, T>C. VCF-style: chrX-41201126-T-C. GRCh37 (hg19) VCF-style: chrX-41060379-T-C.
Other names: c.4670T>C, p.Val1557Ala (NM_001039590.3); c.4685T>C, p.Val1562Ala (NM_001410748.1, NM_001410749.1, NM_001437534.1); short protein forms V1557A, V1562A.
Identifiers: ClinVar variation 4882420 (VCV004882420.2).
Genomic context (GRCh38, chrX:41,201,126, plus strand): 5'-AAGCACTTACTGAGTGGGAATATCTGCCACCTGTTGGACCCCGCCCACCCAAAGGATTCG[T>C]GGGGCTGAAAAATGCCGGTGCTACTTGTTACATGAATTCTGTGATTCAGCAACTCTACAT-3'
Protein context (NP_001034680.2, residues 1547-1567): PVGPRPPKGF[Val1557Ala]GLKNAGATCY

ClinVar aggregate classification (germline): Uncertain significance (1 of 4 stars; one submission).

Submission:

Dasa
Classification: Uncertain significance. Last evaluated: 2026-03-29. Review status: criteria provided, single submitter. Criteria: DASA Assertion Criteria. Collection method: clinical testing. Allele origin: germline.
Comment: NM_001039591.3(USP9X):c.4670T>C (p.Val1557Ala) is a missense variant that results in the substitution of valine with alanine. This variant is rare in population databases. The currently available literature and clinical evidence are not sufficient to establish a definitive association between this variant and the reported condition. Therefore, this variant is classified as a variant of uncertain significance.